The following is an entry in ClinVar:

NM_005045.4(RELN):c.1715T>C (p.Ile572Thr)

Gene: RELN (reelin; minus strand). Cytogenetic location: 7q22.1.
Variant type: single nucleotide variant.
Coding change: c.1715T>C on transcript NM_005045.4 (MANE Select); coding-DNA position 1715, T replaced by C.
Protein change: p.Ile572Thr; replaces isoleucine 572 with threonine.
Molecular consequence: missense variant.
Genome position (GRCh38, 1-based): chr7:103,652,599, A>G on the plus strand (T>C on the coding strand, the complement: RELN is on the minus strand). VCF-style: chr7-103652599-A-G. GRCh37 (hg19) VCF-style: chr7-103293046-A-G.
Other names: c.1715T>C, p.Ile572Thr (NM_173054.3); short protein forms I572T.
Identifiers: ClinVar variation 1716996 (VCV001716996.5), dbSNP rs1832943582, ClinGen allele CA368765429.

ClinVar aggregate classification (germline): Uncertain significance (1 of 4 stars; one submission).

Conditions:
Norman-Roberts syndrome (LIS2). Also called: Lissencephaly 2 (Norman-Roberts type). Identifiers: Orphanet 89844, MedGen C0796089, MONDO:0009760, OMIM 257320.
Familial temporal lobe epilepsy 7. Identifiers: Orphanet 101046, MedGen C4225327, MONDO:0014639, OMIM 616436.

Allele frequency attached by ClinVar (database versions not stated): gnomAD exomes below 0.00001.
gnomAD v4.1: 2 of 1,612,796 alleles (0.00012%); highest among the groups gnomAD compares: Non-Finnish European, 0.000085%; no homozygotes.

Submission:

Labcorp Genetics (formerly Invitae), Labcorp
Classification: Uncertain significance for Familial temporal lobe epilepsy 7; Norman-Roberts syndrome. Last evaluated: 2023-02-02. Review status: criteria provided, single submitter. Criteria: Invitae Variant Classification Sherloc (09022015). Collection method: clinical testing. Allele origin: germline.
Comment: This sequence change replaces isoleucine, which is neutral and non-polar, with threonine, which is neutral and polar, at codon 572 of the RELN protein (p.Ile572Thr). In summary, the available evidence is currently insufficient to determine the role of this variant in disease. Therefore, it has been classified as a Variant of Uncertain Significance. Advanced modeling of protein sequence and biophysical properties (such as structural, functional, and spatial information, amino acid conservation, physicochemical variation, residue mobility, and thermodynamic stability) performed at Invitae indicates that this missense variant is not expected to disrupt RELN protein function. ClinVar contains an entry for this variant (Variation ID: 1716996). This variant has not been reported in the literature in individuals affected with RELN-related conditions. This variant is not present in population databases (gnomAD no frequency).